The following is an entry in ClinVar:

ClinVar aggregate classification (germline): Uncertain significance (0 of 4 stars; one submission).

Conditions:
CFAP410-related disorder. Also called: CFAP410-related condition.

Submission:

PreventionGenetics, part of Exact Sciences
Classification: Uncertain significance for CFAP410-related condition. Last evaluated: 2024-04-05. Review status: no assertion criteria provided. Collection method: clinical testing. Allele origin: germline.
Comment: The CFAP410 c.452G>A variant is predicted to result in the amino acid substitution p.Gly151Asp. To our knowledge, this variant has not been reported in the literature or in a large population database, indicating this variant is rare. At this time, the clinical significance of this variant is uncertain due to the absence of conclusive functional and genetic evidence.

NM_004928.3(CFAP410):c.452G>A (p.Gly151Asp)

Gene: CFAP410 (cilia and flagella associated protein 410; minus strand). Cytogenetic location: 21q22.3.
Variant type: single nucleotide variant.
Coding change: c.452G>A on transcript NM_004928.3 (MANE Select); coding-DNA position 452, G replaced by A.
Protein change: p.Gly151Asp; replaces glycine 151 with aspartic acid.
Molecular consequence: missense variant.
Genome position (GRCh38, 1-based): chr21:44,331,936, C>T on the plus strand (G>A on the coding strand, the complement: CFAP410 is on the minus strand). VCF-style: chr21-44331936-C-T. GRCh37 (hg19) VCF-style: chr21-45751819-C-T.
Other names: c.452G>A, p.Gly151Asp (NM_001271440.2, NM_001271441.2); c.329G>A, p.Gly110Asp (NM_001271442.1); short protein forms G110D, G151D.
Identifiers: ClinVar variation 3347578 (VCV003347578.1).